The following is an entry in ClinVar:

ClinVar aggregate classification (germline): Uncertain significance. Review status: criteria provided, multiple submitters, no conflicts (2 of 4 stars). 3 submissions from 3 submitters: Uncertain significance (3). Last evaluated 2025-10-17.

Conditions:
Hereditary cancer-predisposing syndrome. Also called: Neoplastic Syndromes, Hereditary; Hereditary Cancer Syndrome; Tumor predisposition; Hereditary neoplastic syndrome. Identifiers: Orphanet 140162, MedGen C0027672, MeSH D009386, MONDO:0015356.
Rhabdoid tumor predisposition syndrome 2 (RTPS2). Identifiers: Orphanet 231108, Orphanet 69077, MedGen C2750074, MONDO:0013224, OMIM 613325.
Intellectual disability, autosomal dominant 16 (CSS4). Also called: COFFIN-SIRIS SYNDROME 4. Identifiers: Orphanet 1465, MedGen C3553249, MONDO:0013821, OMIM 614609.

Submissions (3):

Labcorp Genetics (formerly Invitae), Labcorp
Classification: Uncertain significance for Rhabdoid tumor predisposition syndrome 2. Last evaluated: 2025-10-17. Review status: criteria provided, single submitter. Criteria: Invitae Variant Classification Sherloc (09022015). Collection method: clinical testing. Allele origin: germline.
Comment: This variant, c.74_76del, results in the deletion of 1 amino acid(s) of the SMARCA4 protein (p.Gly25del), but otherwise preserves the integrity of the reading frame. This variant is not present in population databases (gnomAD no frequency). This variant has not been reported in the literature in individuals affected with SMARCA4-related conditions. ClinVar contains an entry for this variant (Variation ID: 573705). Experimental studies and prediction algorithms are not available or were not evaluated, and the functional significance of this variant is currently unknown. In summary, the available evidence is currently insufficient to determine the role of this variant in disease. Therefore, it has been classified as a Variant of Uncertain Significance.

Ambry Genetics
Classification: Uncertain significance for Hereditary cancer-predisposing syndrome. Last evaluated: 2025-04-14. Review status: criteria provided, single submitter. Criteria: Ambry Variant Classification Scheme 2023. Collection method: clinical testing. Allele origin: germline.
Comment: The c.74_76delGAG variant (also known as p.G25del) is located in coding exon 1 of the SMARCA4 gene. This variant results from an in-frame GAG deletion at nucleotide positions 74 to 76. This results in the in-frame deletion of a glycine at codon 25. This amino acid position is highly conserved in available vertebrate species. In addition, this alteration is predicted to be inconclusive by in silico analysis (Choi Y et al. PLoS ONE. 2012; 7(10):e46688). Since supporting evidence is limited at this time, the clinical significance of this alteration remains unclear.

Genome-Nilou Lab
Classification: Uncertain significance for Intellectual disability, autosomal dominant 16. Last evaluated: 2021-07-15. Review status: criteria provided, single submitter. Criteria: ACMG Guidelines, 2015. Collection method: clinical testing. Allele origin: germline. Affected: no.

NM_003072.5(SMARCA4):c.74_76del (p.Gly25del)

Gene: SMARCA4 (SWI/SNF related BAF chromatin remodeling complex subunit ATPase 4; plus strand). Cytogenetic location: 19p13.2.
Variant type: Deletion.
Coding change: c.74_76del on transcript NM_003072.5 (MANE Select); coding-DNA positions 74 to 76, 3 bases deleted (GAG; older notation c.74_76delGAG).
Protein change: p.Gly25del; deletes glycine 25.
Molecular consequence: inframe deletion. On other transcripts: non-coding transcript variant (1).
Genome position (GRCh38, 1-based): chr19:10,984,225-10,984,227, GAG deleted; deleting any 3 consecutive bases within chr19:10,984,224-10,984,227 gives the same sequence; the c. name uses the placement nearest the transcript's 3' end. VCF-style (leftmost placement, unchanged base first): chr19-10984223-TGGA-T. GRCh37 (hg19) VCF-style: chr19-11094899-TGGA-T.
Other names: c.74_76del, p.Gly25del (NM_001128844.3, NM_001128845.2, NM_001128846.2 and 5 more transcripts); short protein forms G25del.
Identifiers: ClinVar variation 573705 (VCV000573705.16), dbSNP rs1568416902, ClinGen allele CA891843856.